The following is an entry in ClinVar:

ClinVar aggregate classification (germline): Uncertain significance (1 of 4 stars; one submission).

Conditions:
Arrhythmogenic right ventricular dysplasia 11. Also called: ARRHYTHMOGENIC RIGHT VENTRICULAR DYSPLASIA, FAMILIAL, 11; Arrhythmogenic Right Ventricular Dysplasia/Cardiomyopathy11; Arrhythmogenic right ventricular dysplasia 11 with mild palmoplantar keratoderma and woolly hair. Identifiers: MedGen C1864850, MONDO:0012506, OMIM 610476.

Submission:

Labcorp Genetics (formerly Invitae), Labcorp
Classification: Uncertain significance for Arrhythmogenic right ventricular dysplasia 11. Last evaluated: 2024-07-11. Review status: criteria provided, single submitter. Criteria: Invitae Variant Classification Sherloc (09022015). Collection method: clinical testing. Allele origin: germline.
Comment: This sequence change replaces serine, which is neutral and polar, with cysteine, which is neutral and slightly polar, at codon 7 of the DSC2 protein (p.Ser7Cys). This variant is not present in population databases (gnomAD no frequency). This variant has not been reported in the literature in individuals affected with DSC2-related conditions. An algorithm developed to predict the effect of missense changes on protein structure and function (PolyPhen-2) suggests that this variant¬†is likely to be tolerated. In summary, the available evidence is currently insufficient to determine the role of this variant in disease. Therefore, it has been classified as a Variant of Uncertain Significance.

NM_024422.6(DSC2):c.20C>G (p.Ser7Cys)

Genes: DSC2 (desmocollin 2; minus strand), DSCAS (DSC1/DSC2 antisense RNA; plus strand). Cytogenetic location: 18q12.1.
Variant type: single nucleotide variant.
Coding change: c.20C>G on transcript NM_024422.6 (MANE Select); coding-DNA position 20, C replaced by G.
Protein change: p.Ser7Cys; replaces serine 7 with cysteine.
Molecular consequence: missense variant.
Genome position (GRCh38, 1-based): chr18:31,101,952, G>C on the plus strand (C>G on the coding strand, the complement: DSC2 is on the minus strand). VCF-style: chr18-31101952-G-C. GRCh37 (hg19) VCF-style: chr18-28681915-G-C.
Other names: c.20C>G, p.Ser7Cys (NM_004949.5); short protein forms S7C.
Identifiers: ClinVar variation 3620980 (VCV003620980.1).